The following is an entry in ClinVar:

ClinVar aggregate classification (germline): Uncertain significance (1 of 4 stars; one submission).

Allele frequency attached by ClinVar (database versions not stated): gnomAD exomes below 0.00001 and 0.00001; gnomAD 0.00001; TOPMed 0.00001; ExAC 0.00002.
gnomAD v4.1: 4 of 1,613,822 alleles (0.00025%); highest among the groups gnomAD compares: African/African-American, 0.0013%; no homozygotes.

Submission:

Labcorp Genetics (formerly Invitae), Labcorp
Classification: Uncertain significance. Last evaluated: 2023-07-07. Review status: criteria provided, single submitter. Criteria: Invitae Variant Classification Sherloc (09022015). Collection method: clinical testing. Allele origin: germline.
Comment: This sequence change replaces glutamic acid, which is acidic and polar, with lysine, which is basic and polar, at codon 106 of the EXTL3 protein (p.Glu106Lys). This variant is present in population databases (rs763152974, gnomAD 0.004%). This variant has not been reported in the literature in individuals affected with EXTL3-related conditions. ClinVar contains an entry for this variant (Variation ID: 1511970). Advanced modeling of protein sequence and biophysical properties (such as structural, functional, and spatial information, amino acid conservation, physicochemical variation, residue mobility, and thermodynamic stability) performed at Invitae indicates that this missense variant is not expected to disrupt EXTL3 protein function. In summary, the available evidence is currently insufficient to determine the role of this variant in disease. Therefore, it has been classified as a Variant of Uncertain Significance.

NM_001440.4(EXTL3):c.316G>A (p.Glu106Lys)

Gene: EXTL3 (exostosin like glycosyltransferase 3; plus strand). Cytogenetic location: 8p21.1.
Variant type: single nucleotide variant.
Coding change: c.316G>A on transcript NM_001440.4 (MANE Select); coding-DNA position 316, G replaced by A.
Protein change: p.Glu106Lys; replaces glutamic acid 106 with lysine.
Molecular consequence: missense variant.
Genome position (GRCh38, 1-based): chr8:28,716,375, G>A. VCF-style: chr8-28716375-G-A. GRCh37 (hg19) VCF-style: chr8-28573892-G-A.
Other names: short protein forms E106K.
Identifiers: ClinVar variation 1511970 (VCV001511970.6), dbSNP rs763152974, ClinGen allele CA4695979.
Genomic context (GRCh38, chr8:28,716,375, plus strand): 5'-CGGGAGTCGGTGAGTGAAGAGCTCCTGCAGCTGGAGGCCAAGCGCCAAGAGCTGAACAGC[G>A]AGATCGCCAAGCTGAATCTGAAGATCGAAGCCTGTAAGAAGAGCATTGAGAACGCCAAGC-3'
Protein context (NP_001431.1, residues 96-116): LEAKRQELNS[Glu106Lys]IAKLNLKIEA